The following is an entry in ClinVar:

NM_005068.3(SIM1):c.1277C>T (p.Pro426Leu)

Genes: SIM1 (SIM bHLH transcription factor 1; minus strand), SIM1-AS1 (SIM1 antisense RNA 1; plus strand). Cytogenetic location: 6q16.3.
Variant type: single nucleotide variant.
Coding change: c.1277C>T on transcript NM_005068.3 (MANE Select); coding-DNA position 1277, C replaced by T.
Protein change: p.Pro426Leu; replaces proline 426 with leucine.
Molecular consequence: missense variant. On other transcripts: non-coding transcript variant (1).
Genome position (GRCh38, 1-based): chr6:100,393,780, G>A on the plus strand (C>T on the coding strand, the complement: SIM1 is on the minus strand). VCF-style: chr6-100393780-G-A. GRCh37 (hg19) VCF-style: chr6-100841656-G-A.
Other names: c.1277C>T, p.Pro426Leu (NM_001374769.1); short protein forms P426L.
Identifiers: ClinVar variation 4994455 (VCV004994455.1).

ClinVar aggregate classification (germline): Uncertain significance (1 of 4 stars; one submission).

Conditions:
SIM1-related disorder. Also called: SIM1-related condition; SIM1-related disorders.

Submission:

PreventionGenetics, part of Exact Sciences
Classification: Uncertain significance for SIM1-related condition. Last evaluated: 2025-10-22. Review status: criteria provided, single submitter. Criteria: ACMG Guidelines, 2015. Collection method: clinical testing. Allele origin: germline.
Comment: The SIM1 c.1277C>T variant is predicted to result in the amino acid substitution p.Pro426Leu. To our knowledge, this variant has not been reported in the literature or in a large population database (gnomAD), indicating this variant is rare. At this time, the clinical significance of this variant is uncertain due to the absence of conclusive functional and genetic evidence.